The following is an entry in ClinVar:

NM_182588.3(RGPD4):c.4206A>G (p.Val1402=)

Gene: RGPD4 (RANBP2 like and GRIP domain containing 4; plus strand). Cytogenetic location: 2q12.3.
Variant type: single nucleotide variant.
Coding change: c.4206A>G on transcript NM_182588.3 (MANE Select); coding-DNA position 4206, A replaced by G.
Protein change: p.Val1402=; no amino-acid change (valine 1402 retained).
Molecular consequence: synonymous variant.
Genome position (GRCh38, 1-based): chr2:107,872,210, A>G. VCF-style: chr2-107872210-A-G. GRCh37 (hg19) VCF-style: chr2-108488666-A-G.
Identifiers: ClinVar variation 2651239 (VCV002651239.24), dbSNP rs201173659, ClinGen allele CA1818527.
Genomic context (GRCh38, chr2:107,872,210, plus strand): 5'-AAAGATTTTACAGAATTATGATAATAAGCAAGTTCGTATAGTGATGAGAAGGGACCAAGT[A>G]TTAAAACTTTGTGCCAATCACACAATAACTCCAGACATGAGTTTGCAAAATATGAAAGGG-3'
Protein context (NP_872394.2, residues 1392-1412): QVRIVMRRDQ[Val1402=]LKLCANHTIT

ClinVar aggregate classification (germline): Likely benign (1 of 4 stars; one submission).

Allele frequency attached by ClinVar (database versions not stated): gnomAD exomes 0.00043; gnomAD 0.00048; ExAC 0.00054; TOPMed 0.00057.

Submission:

CeGaT Center for Human Genetics Tuebingen
Classification: Likely benign. Last evaluated: 2022-07-01. Review status: criteria provided, single submitter. Criteria: CeGaT Center For Human Genetics Tuebingen Variant Classification Criteria Version 2. Collection method: clinical testing. Allele origin: germline. Affected: yes. Observed: 1 variant allele.
Comment: RGPD4: BP4, BP7